The following is an entry in ClinVar:

ClinVar aggregate classification (germline): Likely benign. Review status: criteria provided, multiple submitters, no conflicts (2 of 4 stars). 2 submissions from 2 submitters: Likely benign (2). Last evaluated 2023-11-20.

Conditions:
RYR1-related disorder. Also called: RYR1-related disorders; RYR1-related condition. Identifiers: MedGen CN239331.
Malignant hyperthermia, susceptibility to, 1 (MHS1). Also called: Malignant hyperthermia suceptibility 1; RYR1-Related Malignant Hyperthermia Susceptibility; Anesthesia related hyperthermia; Malignant hyperpyrexia; Fulminating hyperpyrexia; Pharmacogenic myopathy. Identifiers: Orphanet 423, MedGen C2930980, MONDO:0007783, OMIM 145600.

Submissions (2):

All of Us Research Program, National Institutes of Health
Classification: Likely benign for Malignant hyperthermia, susceptibility to, 1. Last evaluated: 2023-11-20. Review status: criteria provided, single submitter. Criteria: ACMG Guidelines, 2015. Collection method: clinical testing. Allele origin: germline. Inheritance: Autosomal dominant inheritance. Observed: 1 variant allele, 1 heterozygote.
Comment: This study involves interpretation of variants in research participants for the purpose of population health screening. Participant phenotype was not available at the time of variant classification. Additional details can be found in publication PMID: 35346344, PMCID: PMC8962531

Labcorp Genetics (formerly Invitae), Labcorp
Classification: Likely benign for RYR1-related disorder. Last evaluated: 2023-08-04. Review status: criteria provided, single submitter. Criteria: Invitae Variant Classification Sherloc (09022015). Collection method: clinical testing. Allele origin: germline.

NM_000540.3(RYR1):c.1368G>A (p.Glu456=)

Gene: RYR1 (ryanodine receptor 1; plus strand). Cytogenetic location: 19q13.2.
Variant type: single nucleotide variant.
Coding change: c.1368G>A on transcript NM_000540.3 (MANE Select); coding-DNA position 1368, G replaced by A.
Protein change: p.Glu456=; no amino-acid change (glutamic acid 456 retained).
Molecular consequence: synonymous variant.
Genome position (GRCh38, 1-based): chr19:38,452,942, G>A. VCF-style: chr19-38452942-G-A. GRCh37 (hg19) VCF-style: chr19-38943582-G-A.
Other names: c.1368G>A, p.Glu456= (NM_001042723.2).
Identifiers: ClinVar variation 2981326 (VCV002981326.4), dbSNP rs1907243269, ClinGen allele CA507242696.